The following is an entry in ClinVar:

NM_002444.3(MSN):c.768C>A (p.Val256=)

Gene: MSN (moesin; plus strand). Cytogenetic location: Xq12.
Variant type: single nucleotide variant.
Coding change: c.768C>A on transcript NM_002444.3 (MANE Select); coding-DNA position 768, C replaced by A.
Protein change: p.Val256=; no amino-acid change (valine 256 retained).
Molecular consequence: synonymous variant.
Genome position (GRCh38, 1-based): chrX:65,733,253, C>A. VCF-style: chrX-65733253-C-A. GRCh37 (hg19) VCF-style: chrX-64953115-C-A.
Other names: c.768C>A (NM_002444.2).
Identifiers: ClinVar variation 2167660 (VCV002167660.30), dbSNP rs184924480, ClinGen allele CA10434552.

ClinVar aggregate classification (germline): Benign/Likely benign. Review status: criteria provided, multiple submitters, no conflicts (2 of 4 stars). 4 submissions from 4 submitters: Benign (1); Likely benign (2). 1 of the submissions does not count toward it. Last evaluated 2024-07-19.

Conditions:
MSN-related disorder. Also called: MSN-related condition.

Allele frequency attached by ClinVar (database versions not stated): gnomAD exomes 0.00001; TOPMed 0.00001; gnomAD 0.00002; ExAC 0.00008; 1000 Genomes Project 30x 0.00021; 1000 Genomes Project 0.00026.
gnomAD v4.1: 20 of 1,209,438 alleles (0.0017%); highest among the groups gnomAD compares: East Asian, 0.041%; no homozygotes.

Submissions (4):

Labcorp Genetics (formerly Invitae), Labcorp
Classification: Benign. Last evaluated: 2024-07-19. Review status: criteria provided, single submitter. Criteria: Invitae Variant Classification Sherloc (09022015). Collection method: clinical testing. Allele origin: germline.

CeGaT Center for Human Genetics Tuebingen
Classification: Likely benign. Last evaluated: 2022-09-01. Review status: criteria provided, single submitter. Criteria: CeGaT Center For Human Genetics Tuebingen Variant Classification Criteria Version 2. Collection method: clinical testing. Allele origin: germline. Affected: yes. Observed: 1 variant allele.
Comment: MSN: BP4, BP7

Blueprint Genetics
Classification: Likely benign. Last evaluated: 2021-01-20. Review status: criteria provided, single submitter. Criteria: ACMG Guidelines, 2015. Collection method: clinical testing. Allele origin: germline.

PreventionGenetics, part of Exact Sciences
Classification: Likely benign for MSN-related condition. Last evaluated: 2020-05-05. Review status: no assertion criteria provided. Collection method: clinical testing. Allele origin: germline. Not counted in ClinVar's aggregate classification.
Comment: This variant is classified as likely benign based on ACMG/AMP sequence variant interpretation guidelines (Richards et al. 2015 PMID: 25741868, with internal and published modifications).